The following is an entry in ClinVar:

ClinVar aggregate classification (germline): Likely pathogenic. Review status: criteria provided, multiple submitters, no conflicts (2 of 4 stars). 2 submissions from 2 submitters: Likely pathogenic (2). Last evaluated 2024-03-29.

Conditions:
Fraser syndrome 1 (FRASRS1). Also called: CRYPTOPHTHALMOS WITH OTHER MALFORMATIONS. Identifiers: Orphanet 2052, MedGen C4551480, MONDO:0054737, OMIM 219000.

Allele frequency attached by ClinVar (database versions not stated): TOPMed below 0.00001; gnomAD 0.00001.
gnomAD v4.1: 1 of 1,571,098 alleles (0.000064%); highest among the groups gnomAD compares: African/African-American, 0.0014%; no homozygotes.

Submissions (2):

Fulgent Genetics
Classification: Likely pathogenic for Fraser syndrome 1. Last evaluated: 2024-03-29. Review status: criteria provided, single submitter. Criteria: ACMG Guidelines, 2015. Collection method: clinical testing. Allele origin: germline.

Labcorp Genetics (formerly Invitae), Labcorp
Classification: Likely pathogenic. Last evaluated: 2023-12-15. Review status: criteria provided, single submitter. Criteria: Invitae Variant Classification Sherloc (09022015). Collection method: clinical testing. Allele origin: germline.
Comment: This sequence change affects an acceptor splice site in intron 10 of the FRAS1 gene. It is expected to disrupt RNA splicing. Variants that disrupt the donor or acceptor splice site typically lead to a loss of protein function (PMID: 16199547), and loss-of-function variants in FRAS1 are known to be pathogenic (PMID: 12766769, 18671281). This variant is not present in population databases (gnomAD no frequency). This variant has not been reported in the literature in individuals affected with FRAS1-related conditions. Algorithms developed to predict the effect of sequence changes on RNA splicing suggest that this variant may disrupt the consensus splice site. In summary, the currently available evidence indicates that the variant is pathogenic, but additional data are needed to prove that conclusively. Therefore, this variant has been classified as Likely Pathogenic.

Literature cited by the submitters: PubMed 16199547 (cited by Labcorp Genetics (formerly Invitae), Labcorp); PubMed 12766769 (cited by Labcorp Genetics (formerly Invitae), Labcorp); PubMed 18671281 (cited by Labcorp Genetics (formerly Invitae), Labcorp).

NM_025074.7(FRAS1):c.1072-1G>C

Gene: FRAS1 (Fraser extracellular matrix complex subunit 1; plus strand). Cytogenetic location: 4q21.21.
Variant type: single nucleotide variant.
Coding change: c.1072-1G>C on transcript NM_025074.7 (MANE Select); the canonical splice acceptor site of the intron before coding-DNA position 1072, G replaced by C.
Molecular consequence: splice acceptor variant.
Genome position (GRCh38, 1-based): chr4:78,281,397, G>C. VCF-style: chr4-78281397-G-C. GRCh37 (hg19) VCF-style: chr4-79202551-G-C.
Other names: c.1072-1G>C (NM_001166133.2).
Identifiers: ClinVar variation 2703422 (VCV002703422.4), dbSNP rs1727323495, ClinGen allele CA357365612.